The following is an entry in ClinVar:

ClinVar aggregate classification (germline): Uncertain significance (1 of 4 stars; one submission).

Conditions:
Hereditary cancer-predisposing syndrome. Also called: Hereditary Cancer Syndrome; Hereditary neoplastic syndrome; Tumor predisposition; Neoplastic Syndromes, Hereditary. Identifiers: Orphanet 140162, MedGen C0027672, MeSH D009386, MONDO:0015356.

Submission:

Ambry Genetics
Classification: Uncertain significance for Hereditary cancer-predisposing syndrome. Last evaluated: 2021-09-13. Review status: criteria provided, single submitter. Criteria: Ambry Variant Classification Scheme 2023. Collection method: clinical testing. Allele origin: germline.
Comment: The p.E793K variant (also known as c.2377G>A), located in coding exon 21 of the TSC2 gene, results from a G to A substitution at nucleotide position 2377. The glutamic acid at codon 793 is replaced by lysine, an amino acid with similar properties. This amino acid position is highly conserved in available vertebrate species. In addition, this alteration is predicted to be deleterious by in silico analysis. Since supporting evidence is limited at this time, the clinical significance of this alteration remains unclear.

NM_000548.5(TSC2):c.2377G>A (p.Glu793Lys)

Gene: TSC2 (TSC complex subunit 2; plus strand). Cytogenetic location: 16p13.3.
Variant type: single nucleotide variant.
Coding change: c.2377G>A on transcript NM_000548.5 (MANE Select); coding-DNA position 2377, G replaced by A.
Protein change: p.Glu793Lys; replaces glutamic acid 793 with lysine.
Molecular consequence: missense variant.
Genome position (GRCh38, 1-based): chr16:2,074,221, G>A. VCF-style: chr16-2074221-G-A. GRCh37 (hg19) VCF-style: chr16-2124222-G-A.
Other names: c.2230G>A, p.Glu744Lys (NM_001406676.1, NM_001406679.1, NM_001318829.2 and 1 more transcripts); c.2320G>A, p.Glu774Lys (NM_001406677.1); c.2266G>A, p.Glu756Lys (NM_001406678.1, NM_001318827.2, NM_001406670.1); c.1777G>A, p.Glu593Lys (NM_001406680.1, NM_001406682.1, NM_001406683.1 and 6 more transcripts); c.1915G>A, p.Glu639Lys (NM_001406681.1); c.1033G>A, p.Glu345Lys (NM_001406689.1, NM_001406690.1, NM_001406691.1 and 6 more transcripts); c.775G>A, p.Glu259Lys (NM_001406698.1); c.2377G>A, p.Glu793Lys (NM_021055.3, NM_001077183.3, NM_001114382.3 and 6 more transcripts); and 3 more; short protein forms E639K, E744K, E774K, E593K, E789K, E793K, E804K, E259K.
Identifiers: ClinVar variation 1790380 (VCV001790380.2), dbSNP rs1596356248, ClinGen allele CA394277017.